The following is an entry in ClinVar:

ClinVar aggregate classification (germline): Likely benign (1 of 4 stars; one submission).

Conditions:
EPHA3-related disorder. Also called: EPHA3-related condition.

gnomAD v4.1: 106 of 1,610,086 alleles (0.0066%); highest among the groups gnomAD compares: Non-Finnish European, 0.008%; no homozygotes.

Submission:

PreventionGenetics, part of Exact Sciences
Classification: Likely benign for EPHA3-related condition. Last evaluated: 2025-01-06. Review status: criteria provided, single submitter. Criteria: ACMG Guidelines, 2015. Collection method: clinical testing. Allele origin: germline.
Comment: This variant is classified as likely benign based on ACMG/AMP sequence variant interpretation guidelines (Richards et al. 2015 PMID: 25741868, with internal and published modifications).

NM_005233.6(EPHA3):c.1935A>G (p.Lys645=)

Gene: EPHA3 (EPH receptor A3; plus strand). Cytogenetic location: 3p11.1.
Variant type: single nucleotide variant.
Coding change: c.1935A>G on transcript NM_005233.6 (MANE Select); coding-DNA position 1935, A replaced by G.
Protein change: p.Lys645=; no amino-acid change (lysine 645 retained).
Molecular consequence: synonymous variant.
Genome position (GRCh38, 1-based): chr3:89,419,251, A>G. VCF-style: chr3-89419251-A-G. GRCh37 (hg19) VCF-style: chr3-89468401-A-G.
Other names: c.1935A>G, p.Lys645= (NM_001410778.1).
Identifiers: ClinVar variation 4977206 (VCV004977206.1).